The following is an entry in ClinVar:

NM_000222.3(KIT):c.106C>G (p.Pro36Ala)

Gene: KIT (KIT proto-oncogene, receptor tyrosine kinase; plus strand). Cytogenetic location: 4q12.
Variant type: single nucleotide variant.
Coding change: c.106C>G on transcript NM_000222.3 (MANE Select); coding-DNA position 106, C replaced by G.
Protein change: p.Pro36Ala; replaces proline 36 with alanine.
Molecular consequence: missense variant.
Genome position (GRCh38, 1-based): chr4:54,695,550, C>G. VCF-style: chr4-54695550-C-G. GRCh37 (hg19) VCF-style: chr4-55561716-C-G.
Other names: c.106C>G, p.Pro36Ala (NM_001093772.2, NM_001385284.1, NM_001385285.1 and 4 more transcripts); short protein forms P36A.
Identifiers: ClinVar variation 2755693 (VCV002755693.4), dbSNP rs781633384, ClinGen allele CA356896854.

ClinVar aggregate classification (germline): Uncertain significance. Review status: criteria provided, multiple submitters, no conflicts (2 of 4 stars). 2 submissions from 2 submitters: Uncertain significance (2). Last evaluated 2025-08-22.

Conditions:
Gastrointestinal stromal tumor. Also called: Gastrointestinal stromal tumor, somatic; Gastrointestinal stroma tumor. Identifiers: Orphanet 44890, MedGen C0238198, MeSH D046152, MONDO:0011719, OMIM 606764, HP:0100723.
Hereditary cancer-predisposing syndrome. Also called: Neoplastic Syndromes, Hereditary; Tumor predisposition; Hereditary Cancer Syndrome; Hereditary neoplastic syndrome. Identifiers: Orphanet 140162, MedGen C0027672, MeSH D009386, MONDO:0015356.

Submissions (2):

Ambry Genetics
Classification: Uncertain significance for Hereditary cancer-predisposing syndrome. Last evaluated: 2025-08-22. Review status: criteria provided, single submitter. Criteria: Ambry Variant Classification Scheme 2023. Collection method: clinical testing. Allele origin: germline.
Comment: The p.P36A variant (also known as c.106C>G), located in coding exon 2 of the KIT gene, results from a C to G substitution at nucleotide position 106. The proline at codon 36 is replaced by alanine, an amino acid with highly similar properties. This amino acid position is conserved. In addition, this alteration is predicted to be tolerated by in silico analysis. Based on the available evidence, the clinical significance of this variant remains unclear.

Labcorp Genetics (formerly Invitae), Labcorp
Classification: Uncertain significance for Gastrointestinal stromal tumor. Last evaluated: 2023-08-27. Review status: criteria provided, single submitter. Criteria: Invitae Variant Classification Sherloc (09022015). Collection method: clinical testing. Allele origin: germline.
Comment: In summary, the available evidence is currently insufficient to determine the role of this variant in disease. Therefore, it has been classified as a Variant of Uncertain Significance. Algorithms developed to predict the effect of missense changes on protein structure and function output the following: SIFT: "Not Available"; PolyPhen-2: "Benign"; Align-GVGD: "Not Available". The alanine amino acid residue is found in multiple mammalian species, which suggests that this missense change does not adversely affect protein function. This variant has not been reported in the literature in individuals affected with KIT-related conditions. This variant is not present in population databases (gnomAD no frequency). This sequence change replaces proline, which is neutral and non-polar, with alanine, which is neutral and non-polar, at codon 36 of the KIT protein (p.Pro36Ala).